The following is an entry in ClinVar:

NC_000002.11:g.(?_152417187)_(152418727_?)del

Gene: NEB (nebulin; minus strand). Cytogenetic location: 2q23.3.
Variant type: Deletion.
Identifiers: ClinVar variation 2424073 (VCV002424073.4).

ClinVar aggregate classification (germline): Pathogenic (1 of 4 stars; one submission).

Conditions:
Nemaline myopathy 2 (NEM2). Also called: Nemaline myopathy 2, autosomal recessive. Identifiers: MedGen C1850569, MONDO:0009725, OMIM 256030.

Submission:

Labcorp Genetics (formerly Invitae), Labcorp
Classification: Pathogenic for Nemaline myopathy 2. Last evaluated: 2023-09-08. Review status: criteria provided, single submitter. Criteria: Invitae Variant Classification Sherloc (09022015). Collection method: clinical testing. Allele origin: germline.
Comment: For these reasons, this variant has been classified as Pathogenic. This variant has not been reported in the literature in individuals affected with NEB-related conditions. This variant results in the deletion of exons 122-123 and part of exons 121 and 124 of the NEB gene. This deletion is out-of-frame, and is expected to create a premature termination codon and result in an absent or disrupted protein product. Loss-of-function variants in NEB are known to be pathogenic (PMID: 25205138).

Literature cited by the submitters: PubMed 25205138.